The following is an entry in ClinVar:

NM_000548.5(TSC2):c.2553C>G (p.Ala851=)

Gene: TSC2 (TSC complex subunit 2; plus strand). Cytogenetic location: 16p13.3.
Variant type: single nucleotide variant.
Coding change: c.2553C>G on transcript NM_000548.5 (MANE Select); coding-DNA position 2553, C replaced by G.
Protein change: p.Ala851=; no amino-acid change (alanine 851 retained).
Molecular consequence: synonymous variant. On other transcripts: non-coding transcript variant (5).
Genome position (GRCh38, 1-based): chr16:2,075,806, C>G. VCF-style: chr16-2075806-C-G. GRCh37 (hg19) VCF-style: chr16-2125807-C-G.
Other names: c.2553C>G, p.Ala851= (NM_001077183.3, NM_001114382.3, NM_001363528.2 and 6 more transcripts); c.2442C>G, p.Ala814= (NM_001318827.2, NM_001406670.1, NM_001406678.1); c.2406C>G, p.Ala802= (NM_001318829.2, NM_001406675.1, NM_001406676.1 and 1 more transcripts); c.1953C>G, p.Ala651= (NM_001318831.2, NM_001406680.1, NM_001406682.1 and 6 more transcripts); c.2586C>G, p.Ala862= (NM_001318832.2); c.2643C>G, p.Ala881= (NM_001406667.1, NM_001406668.1); c.2541C>G, p.Ala847= (NM_001406671.1, NM_001406673.1); c.2496C>G, p.Ala832= (NM_001406677.1); and 3 more.
Identifiers: ClinVar variation 3061728 (VCV003061728.2), dbSNP rs745687916, ClinGen allele CA492953452.

ClinVar aggregate classification (germline): Likely benign (0 of 4 stars; one submission).

Conditions:
TSC2-related disorder. Also called: TSC2-related condition; TSC2-Related Disorders.

Submission:

PreventionGenetics, part of Exact Sciences
Classification: Likely benign for TSC2-related condition. Last evaluated: 2021-06-10. Review status: no assertion criteria provided. Collection method: clinical testing. Allele origin: germline.
Comment: This variant is classified as likely benign based on ACMG/AMP sequence variant interpretation guidelines (Richards et al. 2015 PMID: 25741868, with internal and published modifications).